The following is an entry in ClinVar:

NM_000352.6(ABCC8):c.1630+1G>T

Gene: ABCC8 (ATP binding cassette subfamily C member 8; minus strand). Cytogenetic location: 11p15.1.
Variant type: single nucleotide variant.
Coding change: c.1630+1G>T on transcript NM_000352.6 (MANE Select); the canonical splice donor site of the intron after coding-DNA position 1630, G replaced by T.
Molecular consequence: splice donor variant.
Genome position (GRCh38, 1-based): chr11:17,442,719, C>A on the plus strand (G>T on the coding strand, the complement: ABCC8 is on the minus strand). VCF-style: chr11-17442719-C-A. GRCh37 (hg19) VCF-style: chr11-17464266-C-A.
Other names: c.1627+1G>T (NM_001351297.2, NM_001351296.2); c.1630+1G>T (NM_001351295.2, NM_001287174.3).
Identifiers: ClinVar variation 370604 (VCV000370604.18), dbSNP rs773306994, ClinGen allele CA5903512.

ClinVar aggregate classification (germline): Pathogenic. Review status: criteria provided, multiple submitters, no conflicts (2 of 4 stars). 7 submissions from 7 submitters: Pathogenic (6). 1 of the submissions does not count toward it. Last evaluated 2025-04-21.

Conditions:
Hyperinsulinemic hypoglycemia, familial, 1 (HHF1). Also called: Persistent Hyperinsulinemia Hypoglycemia of Infancy; Persistent hyperinsulinemic hypoglycemia of infancy; HYPERINSULINISM, FAMILIAL, WITH PANCREATIC NESIDIOBLASTOSIS; HYPOGLYCEMIA, HYPERINSULINEMIC, OF INFANCY; NESIDIOBLASTOSIS OF PANCREAS. Identifiers: Orphanet 276575, Orphanet 276598, MedGen C2931832, MONDO:0009734, OMIM 256450.
Type 2 diabetes mellitus. Also called: Type II diabetes mellitus. Identifiers: MedGen C0011860, MeSH D003924, MONDO:0005148, OMIM 125853, HP:0005978.
Diabetes mellitus, transient neonatal, 2 (TNDM2). Identifiers: Orphanet 99886, MedGen C1835887, MONDO:0012480, OMIM 610374. Disease mechanism: loss of function.
Diabetes mellitus, permanent neonatal 3. Also called: ABCC8-Related Permanent Neonatal Diabetes Mellitus. Identifiers: MedGen C5394303, MONDO:0030088, OMIM 618857.
Leucine-induced hypoglycemia (LIH). Also called: LEUCINE-SENSITIVE HYPOGLYCEMIA OF INFANCY. Identifiers: MedGen C0271714, MONDO:0009415, OMIM 240800.
Hereditary hyperinsulinism.
ABCC8-related disorder.

Allele frequency attached by ClinVar (database versions not stated): gnomAD 0.00001.
gnomAD v4.1: 27 of 1,613,366 alleles (0.0017%); highest among the groups gnomAD compares: Non-Finnish European, 0.0023%; no homozygotes.

Submissions (7):

Natera, Inc.
Classification: Pathogenic for Hereditary hyperinsulinism. Last evaluated: 2025-04-21. Review status: criteria provided, single submitter. Criteria: Natera Variant Classification Schema (03/2026). Collection method: clinical testing. Allele origin: germline.
Comment: The c.1630+1G>T variant in ABCC8 is a canonical splice donor site variant predicted to affect pre-mRNA splicing, which may result in an abnormal transcript and altered protein product. This variant is expected to result in nonsense mediated decay, truncation, or a dysfunctional protein product. This variant is rare in the general population with a frequency below the threshold expected for the associated phenotype(s). This variant has been observed in one or more individuals affected with the associated recessive disease, as either homozygous or compound heterozygous with a second variant (PMID: 31997554). Given the available evidence, this variant is classified as Pathogenic.

Labcorp Genetics (formerly Invitae), Labcorp
Classification: Pathogenic. Last evaluated: 2024-01-16. Review status: criteria provided, single submitter. Criteria: Invitae Variant Classification Sherloc (09022015). Collection method: clinical testing. Allele origin: germline.
Comment: This sequence change affects a donor splice site in intron 10 of the ABCC8 gene. It is expected to disrupt RNA splicing. Variants that disrupt the donor or acceptor splice site typically lead to a loss of protein function (PMID: 16199547), and loss-of-function variants in ABCC8 are known to be pathogenic (PMID: 20685672, 23345197). This variant is present in population databases (rs773306994, gnomAD 0.005%). Disruption of this splice site has been observed in individuals with autosomal recessive congenital hyperinsulinism (PMID: 9618169, 19475716, 23275527). This variant is also known as IVS10+1G>T. ClinVar contains an entry for this variant (Variation ID: 370604). Algorithms developed to predict the effect of sequence changes on RNA splicing suggest that this variant may disrupt the consensus splice site. For these reasons, this variant has been classified as Pathogenic.

Broad Center for Mendelian Genomics, Broad Institute of MIT and Harvard
Classification: Pathogenic for Hyperinsulinemic hypoglycemia, familial, 1. Last evaluated: 2023-08-16. Review status: criteria provided, single submitter. Criteria: ACMG Guidelines, 2015. Collection method: curation. Allele origin: germline. Inheritance: Autosomal recessive inheritance.
Comment: The c.1630+1G>T variant in ABCC8 has been reported in at least 12 individuals with hyperinsulinemic hypoglycemia (PMID: 20685672, 33688939, 10426386, 27334808, 17236890, 10338089, 9618169, 31997554), and has been identified in 0.005% (1/21648) of European (Finnish) chromosomes by the Genome Aggregation Database (gnomAD; dbSNP ID: rs773306994). Although this variant has been seen in the general population in a heterozygous state, its frequency is low enough to be consistent with a recessive carrier frequency. This variant has also been reported in ClinVar (Variation ID: 370604) and has been interpreted as pathogenic by Counsyl, Invitae, and Natera Inc. Of the 12 affected individuals, 6 were compound heterozygotes that carried a reported pathogenic or likely pathogenic variant in trans, which increases the likelihood that the c.1630+1G>T variant is pathogenic (PMID: 20685672, 33688939, 10426386, 17236890, 9618169). This variant is located in the 3' splice region. SpliceAI predictions indicate use of an out-of-frame cryptic splice site 70 bases from the intron-exon boundary, providing evidence that this variant may cause a frameshift and lead to a premature termination codon downstream. This alteration is then predicted to lead to a truncated or absent protein. However, this information is not predictive enough to determine pathogenicity. Loss of function of the ABCC8 gene is an established disease mechanism in autosomal recessive hyperinsulinemic hypoglycemia. In summary, this variant meets criteria to be classified as pathogenic for autosomal recessive hyperinsulinemic hypoglycemia. ACMG/AMP Criteria applied: PM3_very-strong, PM2_supporting, PVS1 (Richards 2015).

Baylor Genetics
Classification: Pathogenic for Type 2 diabetes mellitus. Last evaluated: 2023-04-23. Review status: criteria provided, single submitter. Criteria: ACMG Guidelines, 2015. Collection method: clinical testing. Allele origin: unknown.

Fulgent Genetics
Classification: Pathogenic for Type 2 diabetes mellitus; Leucine-induced hypoglycemia; Hyperinsulinemic hypoglycemia, familial, 1; Diabetes mellitus, transient neonatal, 2; Diabetes mellitus, permanent neonatal 3. Last evaluated: 2022-05-12. Review status: criteria provided, single submitter. Criteria: ACMG Guidelines, 2015. Collection method: clinical testing. Allele origin: unknown.

Blueprint Genetics
Classification: Pathogenic for ABCC8-related disorders. Last evaluated: 2021-04-08. Review status: criteria provided, single submitter. Criteria: ACMG Guidelines, 2015. Collection method: clinical testing. Allele origin: germline. Affected: yes. Observed: 4 variant alleles.

Counsyl
Classification: Pathogenic for Hyperinsulinemic hypoglycemia, familial, 1. Last evaluated: 2016-03-10. Review status: no assertion criteria provided. Collection method: clinical testing. Allele origin: unknown. Not counted in ClinVar's aggregate classification.

Literature cited by the submitters: PubMed 31997554 (cited by Natera, Inc.); PubMed 16199547 (cited by Labcorp Genetics (formerly Invitae), Labcorp); PubMed 20685672 (cited by Labcorp Genetics (formerly Invitae), Labcorp); PubMed 23345197 (cited by Labcorp Genetics (formerly Invitae), Labcorp); PubMed 9618169 (cited by Labcorp Genetics (formerly Invitae), Labcorp and Counsyl); PubMed 19475716 (cited by Labcorp Genetics (formerly Invitae), Labcorp and Counsyl); PubMed 23275527 (cited by Labcorp Genetics (formerly Invitae), Labcorp and Counsyl); PubMed 25931474 (cited by Counsyl).